The following is an entry in ClinVar:

NM_032520.5(GNPTG):c.290G>C (p.Arg97Pro)

Gene: GNPTG (N-acetylglucosamine-1-phosphate transferase subunit gamma; plus strand). Cytogenetic location: 16p13.3.
Variant type: single nucleotide variant.
Coding change: c.290G>C on transcript NM_032520.5 (MANE Select); coding-DNA position 290, G replaced by C.
Protein change: p.Arg97Pro; replaces arginine 97 with proline.
Molecular consequence: missense variant.
Genome position (GRCh38, 1-based): chr16:1,361,928, G>C. VCF-style: chr16-1361928-G-C. GRCh37 (hg19) VCF-style: chr16-1411929-G-C.
Other names: short protein forms R97P.
Identifiers: ClinVar variation 1995643 (VCV001995643.5), dbSNP rs778481117, ClinGen allele CA394186987.

ClinVar aggregate classification (germline): Uncertain significance. Review status: criteria provided, multiple submitters, no conflicts (2 of 4 stars). 2 submissions from 2 submitters: Uncertain significance (2). Last evaluated 2024-02-24.

Conditions:
Inborn genetic diseases. Identifiers: MedGen C0950123, MeSH D030342.

gnomAD v4.1: 5 of 1,613,510 alleles (0.00031%); highest among the groups gnomAD compares: African/African-American, 0.0053%; no homozygotes.

Submissions (2):

Labcorp Genetics (formerly Invitae), Labcorp
Classification: Uncertain significance. Last evaluated: 2024-02-24. Review status: criteria provided, single submitter. Criteria: Invitae Variant Classification Sherloc (09022015). Collection method: clinical testing. Allele origin: germline.
Comment: This sequence change replaces arginine, which is basic and polar, with proline, which is neutral and non-polar, at codon 97 of the GNPTG protein (p.Arg97Pro). This variant is present in population databases (no rsID available, gnomAD 0.01%). This variant has not been reported in the literature in individuals affected with GNPTG-related conditions. ClinVar contains an entry for this variant (Variation ID: 1995643). Advanced modeling of protein sequence and biophysical properties (such as structural, functional, and spatial information, amino acid conservation, physicochemical variation, residue mobility, and thermodynamic stability) has been performed at Invitae for this missense variant, however the output from this modeling did not meet the statistical confidence thresholds required to predict the impact of this variant on GNPTG protein function. In summary, the available evidence is currently insufficient to determine the role of this variant in disease. Therefore, it has been classified as a Variant of Uncertain Significance.

Ambry Genetics
Classification: Uncertain significance for Inborn genetic diseases. Last evaluated: 2021-11-05. Review status: criteria provided, single submitter. Criteria: Ambry Variant Classification Scheme 2023. Collection method: clinical testing. Allele origin: germline.